The following is an entry in ClinVar:

ClinVar aggregate classification (germline): Uncertain significance. Review status: criteria provided, multiple submitters, no conflicts (2 of 4 stars). 2 submissions from 2 submitters: Uncertain significance (2). Last evaluated 2025-07-31.

Conditions:
Cardiovascular phenotype. Identifiers: MedGen CN230736.
TTN-related disorder. Also called: TTN-related disorders; TTN-related condition; TTN-related disease.

Allele frequency attached by ClinVar (database versions not stated): gnomAD 0.00001; gnomAD exomes 0.00001; 1000 Genomes Project 30x 0.00016; 1000 Genomes Project 0.00020.
gnomAD v4.1: 9 of 1,612,354 alleles (0.00056%); highest among the groups gnomAD compares: South Asian, 0.0099%; no homozygotes.

Submissions (2):

PreventionGenetics, part of Exact Sciences
Classification: Uncertain significance for TTN-related condition. Last evaluated: 2025-07-31. Review status: criteria provided, single submitter. Criteria: ACMG Guidelines, 2015. Collection method: clinical testing. Allele origin: germline.
Comment: The TTN c.56738G>A variant is predicted to result in the amino acid substitution p.Gly18913Asp. To our knowledge, this variant has not been reported in the literature. This variant is reported in 0.0033% of alleles in individuals of South Asian descent in gnomAD. At this time, the clinical significance of this variant is uncertain due to the absence of conclusive functional and genetic evidence.

Ambry Genetics
Classification: Uncertain significance for Cardiovascular phenotype. Last evaluated: 2020-09-18. Review status: criteria provided, single submitter. Criteria: Ambry Variant Classification Scheme 2023. Collection method: clinical testing. Allele origin: germline.
Comment: The p.G9848D variant (also known as c.29543G>A), located in coding exon 118 of the TTN gene, results from a G to A substitution at nucleotide position 29543. The glycine at codon 9848 is replaced by aspartic acid, an amino acid with similar properties. This amino acid position is highly conserved in available vertebrate species. In addition, the in silico prediction for this alteration is inconclusive. Since supporting evidence is limited at this time, the clinical significance of this alteration remains unclear.

NM_001267550.2(TTN):c.56738G>A (p.Gly18913Asp)

Genes: TTN (titin; minus strand), TTN-AS1 (TTN antisense RNA 1; plus strand). Cytogenetic location: 2q31.2.
Variant type: single nucleotide variant.
Coding change: c.56738G>A on transcript NM_001267550.2 (MANE Select); coding-DNA position 56738, G replaced by A.
Protein change: p.Gly18913Asp; replaces glycine 18913 with aspartic acid.
Molecular consequence: missense variant.
Genome position (GRCh38, 1-based): chr2:178,598,972, C>T on the plus strand (G>A on the coding strand, the complement: TTN is on the minus strand). VCF-style: chr2-178598972-C-T. GRCh37 (hg19) VCF-style: chr2-179463699-C-T.
Other names: c.51815G>A, p.Gly17272Asp (NM_001256850.1); c.29543G>A, p.Gly9848Asp (NM_003319.4); c.49034G>A, p.Gly16345Asp (NM_133378.4); c.29918G>A, p.Gly9973Asp (NM_133432.3); c.30119G>A, p.Gly10040Asp (NM_133437.4); short protein forms G10040D, G17272D, G9848D, G18913D, G9973D, G16345D.
Identifiers: ClinVar variation 1798090 (VCV001798090.3), dbSNP rs535913207, ClinGen allele CA60975277.